The following is an entry in ClinVar:

NM_001122659.3(EDNRB):c.1278T>C (p.Asn426=)

Genes: EDNRB (endothelin receptor type B; minus strand), EDNRB-AS1 (EDNRB antisense RNA 1; plus strand). Cytogenetic location: 13q22.3.
Variant type: single nucleotide variant.
Coding change: c.1278T>C on transcript NM_001122659.3 (MANE Select); coding-DNA position 1278, T replaced by C.
Protein change: p.Asn426=; no amino-acid change (asparagine 426 retained).
Molecular consequence: synonymous variant. On other transcripts: intron variant (1).
Genome position (GRCh38, 1-based): chr13:77,898,251, A>G on the plus strand (T>C on the coding strand, the complement: EDNRB is on the minus strand). VCF-style: chr13-77898251-A-G. GRCh37 (hg19) VCF-style: chr13-78472386-A-G.
Other names: c.1278T>C, p.Asn426= (NM_000115.5); c.1548T>C, p.Asn516= (NM_001201397.2); c.1194+1608T>C (NM_003991.4); c.1278T>C (NM_000115.3).
Identifiers: ClinVar variation 505624 (VCV000505624.8), dbSNP rs747813758, ClinGen allele CA7012147.

ClinVar aggregate classification (germline): Likely benign. Review status: criteria provided, multiple submitters, no conflicts (2 of 4 stars). 3 submissions from 3 submitters: Likely benign (3). Last evaluated 2024-01-09.

Conditions:
Inborn genetic diseases. Identifiers: MedGen C0950123, MeSH D030342.

Allele frequency attached by ClinVar (database versions not stated): gnomAD exomes below 0.00001 and 0.00002; ExAC 0.00002; TOPMed 0.00005.
gnomAD v4.1: 7 of 1,612,048 alleles (0.00043%); highest among the groups gnomAD compares: East Asian, 0.013%; no homozygotes.

Submissions (3):

Ambry Genetics
Classification: Likely benign for Inborn genetic diseases. Last evaluated: 2024-01-09. Review status: criteria provided, single submitter. Criteria: Ambry Variant Classification Scheme 2023. Collection method: clinical testing. Allele origin: germline.

Labcorp Genetics (formerly Invitae), Labcorp
Classification: Likely benign. Last evaluated: 2023-12-26. Review status: criteria provided, single submitter. Criteria: Invitae Variant Classification Sherloc (09022015). Collection method: clinical testing. Allele origin: germline.

Laboratory for Molecular Medicine, Mass General Brigham Personalized Medicine
Classification: Likely benign. Last evaluated: 2017-02-16. Review status: criteria provided, single submitter. Criteria: LMM Criteria. Collection method: clinical testing. Allele origin: germline. Observed: 1 variant allele.
Comment: p.Asn516Asn in exon 8 of EDNRB: This variant is not expected to have clinical si gnificance because it does not alter an amino acid residue and is not located wi thin the splice consensus sequence. The variant has been identified in 2/8468 Ea st Asian chromosomes by the Exome Aggregation Consortium (ExAC; dbSNP rs747813758). This variant has been reported in 1 individu al with Hirschsprung disease; however, that individual also carried a missense v ariant in the RET gene (Garcia-Barcelo 2004).

Literature cited by the submitters: PubMed 14633923 (cited by Laboratory for Molecular Medicine, Mass General Brigham Personalized Medicine).